The following is an entry in ClinVar:

NM_000548.5(TSC2):c.336+197C>G

Gene: TSC2 (TSC complex subunit 2; plus strand). Cytogenetic location: 16p13.3.
Variant type: single nucleotide variant.
Coding change: c.336+197C>G on transcript NM_000548.5 (MANE Select); 197 bases into the intron after coding-DNA position 336, C replaced by G.
Molecular consequence: intron variant.
Genome position (GRCh38, 1-based): chr16:2,053,649, C>G. VCF-style: chr16-2053649-C-G. GRCh37 (hg19) VCF-style: chr16-2103650-C-G.
Other names: c.336+197C>G (NM_001114382.3, NM_021055.3, NM_001370405.1 and 3 more transcripts); c.226-647C>G (NM_001318827.2); c.-1-2547C>G (NM_001318831.2); c.189+197C>G (NM_001318829.2); c.369+197C>G (NM_001318832.2).
Identifiers: ClinVar variation 133426 (VCV000133426.1), dbSNP rs587778007, ClinGen allele CA018963.
Genomic context (GRCh38, chr16:2,053,649, plus strand): 5'-GGATGGCCTGTGGGGTCTCCTGGTGTCATGAGGTCTGTGTGACCGTAGGCACTGCCTCCT[C>G]GCCTGTAAACAGATGGTCACTGCACCTTCCTCTTATGGGATGTTCTGGGGATCATATGAG-3'

ClinVar aggregate classification (germline): not provided (0 of 4 stars; one submission).

Submission:

ITMI
No classification provided. Condition: AllHighlyPenetrant. Last evaluated: 2013-09-19. Review status: no classification provided. Collection method: reference population. Allele origin: germline.
Comment: Please see associated publication for description of ethnicities

Literature cited by the submitters: PubMed 24728327.